The following is an entry in ClinVar:

ClinVar aggregate classification (germline): Uncertain significance (1 of 4 stars; one submission).

Conditions:
Malignant hyperthermia, susceptibility to, 1 (MHS1). Also called: RYR1-Related Malignant Hyperthermia Susceptibility; Malignant hyperthermia suceptibility 1; Anesthesia related hyperthermia; Malignant hyperpyrexia; Fulminating hyperpyrexia; Pharmacogenic myopathy. Identifiers: Orphanet 423, MedGen C2930980, MONDO:0007783, OMIM 145600.

Submission:

Color Diagnostics, LLC DBA Color Health
Classification: Uncertain significance for Malignant hyperthermia, susceptibility to, 1. Last evaluated: 2025-09-05. Review status: criteria provided, single submitter. Criteria: ACMG Guidelines, 2015. Collection method: clinical testing. Allele origin: germline.
Comment: This missense variant replaces glycine with arginine at codon 4700 of the RYR1 protein. Computational prediction suggests that this variant may have deleterious impact on protein structure and function. To our knowledge, functional studies have not been reported for this variant. This variant has not been reported in individuals affected with RYR1-related disorders in the literature. This variant has not been identified in the general population by the Genome Aggregation Database (gnomAD). The available evidence is insufficient to determine the role of this variant in disease conclusively. Therefore, this variant is classified as a Variant of Uncertain Significance.

NM_000540.3(RYR1):c.14098G>C (p.Gly4700Arg)

Gene: RYR1 (ryanodine receptor 1; plus strand). Cytogenetic location: 19q13.2.
Variant type: single nucleotide variant.
Coding change: c.14098G>C on transcript NM_000540.3 (MANE Select); coding-DNA position 14098, G replaced by C.
Protein change: p.Gly4700Arg; replaces glycine 4700 with arginine.
Molecular consequence: missense variant.
Genome position (GRCh38, 1-based): chr19:38,573,276, G>C. VCF-style: chr19-38573276-G-C. GRCh37 (hg19) VCF-style: chr19-39063916-G-C.
Other names: c.14083G>C, p.Gly4695Arg (NM_001042723.2); short protein forms G4695R, G4700R.
Identifiers: ClinVar variation 4757792 (VCV004757792.1).
Genomic context (GRCh38, chr19:38,573,276, plus strand): 5'-CGGAAGCTGGAGTTTGATGGCCTGTACATCACGGAGCAGCCTGAGGACGATGACGTGAAG[G>C]GGCAGTGGGACCGACTGGTGCTCAACACGCCGTAAGGACCCAGCCCCCACCTCAGGGTGG-3'
Protein context (NP_000531.2, residues 4690-4710): TEQPEDDDVK[Gly4700Arg]QWDRLVLNTP